The following is an entry in ClinVar:

ClinVar aggregate classification (germline): Uncertain significance (1 of 4 stars; one submission).

Conditions:
Primary ciliary dyskinesia. Also called: Ciliary dyskinesia. Identifiers: Orphanet 244, MedGen C0008780, MONDO:0016575, HP:0012265.

Allele frequency attached by ClinVar (database versions not stated): gnomAD exomes 0.00001.

Submission:

Labcorp Genetics (formerly Invitae), Labcorp
Classification: Uncertain significance for Primary ciliary dyskinesia. Last evaluated: 2022-06-14. Review status: criteria provided, single submitter. Criteria: Invitae Variant Classification Sherloc (09022015). Collection method: clinical testing. Allele origin: germline.
Comment: This variant is not present in population databases (gnomAD no frequency). This sequence change replaces glycine, which is neutral and non-polar, with glutamic acid, which is acidic and polar, at codon 429 of the DRC1 protein (p.Gly429Glu). This variant has not been reported in the literature in individuals affected with DRC1-related conditions. In summary, the available evidence is currently insufficient to determine the role of this variant in disease. Therefore, it has been classified as a Variant of Uncertain Significance. Algorithms developed to predict the effect of sequence changes on RNA splicing suggest that this variant may create or strengthen a splice site. Algorithms developed to predict the effect of missense changes on protein structure and function are either unavailable or do not agree on the potential impact of this missense change (SIFT: "Deleterious"; PolyPhen-2: "Probably Damaging"; Align-GVGD: "Class C15").

NM_145038.5(DRC1):c.1286G>A (p.Gly429Glu)

Gene: DRC1 (dynein regulatory complex subunit 1; plus strand). Cytogenetic location: 2p23.3.
Variant type: single nucleotide variant.
Coding change: c.1286G>A on transcript NM_145038.5 (MANE Select); coding-DNA position 1286, G replaced by A.
Protein change: p.Gly429Glu; replaces glycine 429 with glutamic acid.
Molecular consequence: missense variant.
Genome position (GRCh38, 1-based): chr2:26,444,838, G>A. VCF-style: chr2-26444838-G-A. GRCh37 (hg19) VCF-style: chr2-26667706-G-A.
Other names: short protein forms G429E.
Identifiers: ClinVar variation 2416699 (VCV002416699.14), dbSNP rs1663811432, ClinGen allele CA346110668.